The following is an entry in ClinVar:

ClinVar aggregate classification (germline): Uncertain significance. Review status: criteria provided, multiple submitters, no conflicts (2 of 4 stars). 2 submissions from 2 submitters: Uncertain significance (2). Last evaluated 2025-04-25.

Allele frequency attached by ClinVar (database versions not stated): gnomAD exomes 0.00001; gnomAD 0.00001; TOPMed 0.00001.
gnomAD v4.1: 6 of 1,551,582 alleles (0.00039%); highest among the groups gnomAD compares: Admixed American, 0.002%; no homozygotes.

Submissions (2):

Ambry Genetics
Classification: Uncertain significance. Last evaluated: 2025-04-25. Review status: criteria provided, single submitter. Criteria: Ambry Variant Classification Scheme 2023. Collection method: clinical testing. Allele origin: germline.

Labcorp Genetics (formerly Invitae), Labcorp
Classification: Uncertain significance. Last evaluated: 2022-07-12. Review status: criteria provided, single submitter. Criteria: Invitae Variant Classification Sherloc (09022015). Collection method: clinical testing. Allele origin: germline.
Comment: In summary, the available evidence is currently insufficient to determine the role of this variant in disease. Therefore, it has been classified as a Variant of Uncertain Significance. Algorithms developed to predict the effect of missense changes on protein structure and function (SIFT, PolyPhen-2, Align-GVGD) all suggest that this variant is likely to be tolerated. ClinVar contains an entry for this variant (Variation ID: 1358450). This variant has not been reported in the literature in individuals affected with KPNA7-related conditions. This variant is present in population databases (no rsID available, gnomAD 0.03%). This sequence change replaces threonine, which is neutral and polar, with alanine, which is neutral and non-polar, at codon 57 of the KPNA7 protein (p.Thr57Ala).

NM_001145715.3(KPNA7):c.169A>G (p.Thr57Ala)

Gene: KPNA7 (karyopherin subunit alpha 7; minus strand). Cytogenetic location: 7q22.1.
Variant type: single nucleotide variant.
Coding change: c.169A>G on transcript NM_001145715.3 (MANE Select); coding-DNA position 169, A replaced by G.
Protein change: p.Thr57Ala; replaces threonine 57 with alanine.
Molecular consequence: missense variant.
Genome position (GRCh38, 1-based): chr7:99,203,138, T>C on the plus strand (A>G on the coding strand, the complement: KPNA7 is on the minus strand). VCF-style: chr7-99203138-T-C. GRCh37 (hg19) VCF-style: chr7-98800761-T-C.
Other names: c.169A>G (NM_001145715.1); short protein forms T57A.
Identifiers: ClinVar variation 1358450 (VCV001358450.7), dbSNP rs1237097257, ClinGen allele CA368421160.